The following is an entry in ClinVar:

NM_005732.4(RAD50):c.3157A>G (p.Met1053Val)

Gene: RAD50 (RAD50 double strand break repair protein; plus strand). Cytogenetic location: 5q31.1.
Variant type: single nucleotide variant.
Coding change: c.3157A>G on transcript NM_005732.4 (MANE Select); coding-DNA position 3157, A replaced by G.
Protein change: p.Met1053Val; replaces methionine 1053 with valine.
Molecular consequence: missense variant.
Genome position (GRCh38, 1-based): chr5:132,616,123, A>G. VCF-style: chr5-132616123-A-G. GRCh37 (hg19) VCF-style: chr5-131951815-A-G.
Other names: short protein forms M1053V.
Identifiers: ClinVar variation 1489495 (VCV001489495.8), dbSNP rs2149853032, ClinGen allele CA360963952.

ClinVar aggregate classification (germline): Uncertain significance (1 of 4 stars; one submission).

Conditions:
Hereditary cancer-predisposing syndrome. Also called: Tumor predisposition; Hereditary neoplastic syndrome; Neoplastic Syndromes, Hereditary; Hereditary Cancer Syndrome. Identifiers: Orphanet 140162, MedGen C0027672, MeSH D009386, MONDO:0015356.

Submission:

Labcorp Genetics (formerly Invitae), Labcorp
Classification: Uncertain significance for Hereditary cancer-predisposing syndrome. Last evaluated: 2021-02-11. Review status: criteria provided, single submitter. Criteria: Invitae Variant Classification Sherloc (09022015). Collection method: clinical testing. Allele origin: germline.
Comment: In summary, the available evidence is currently insufficient to determine the role of this variant in disease. Therefore, it has been classified as a Variant of Uncertain Significance. Algorithms developed to predict the effect of missense changes on protein structure and function (SIFT, PolyPhen-2, Align-GVGD) all suggest that this variant is likely to be tolerated, but these predictions have not been confirmed by published functional studies and their clinical significance is uncertain. This variant has not been reported in the literature in individuals with RAD50-related conditions. This variant is not present in population databases (ExAC no frequency). This sequence change replaces methionine with valine at codon 1053 of the RAD50 protein (p.Met1053Val). The methionine residue is weakly conserved and there is a small physicochemical difference between methionine and valine.